The following is an entry in ClinVar:

ClinVar aggregate classification (germline): Uncertain significance. Review status: criteria provided, multiple submitters, no conflicts (2 of 4 stars). 4 submissions from 4 submitters: Uncertain significance (2). 2 of the submissions do not count toward it. Last evaluated 2024-03-26.

Conditions:
Intellectual developmental disorder, X-linked, syndromic, Pilorge type. Identifiers: MedGen C5676881, MONDO:0024772, OMIM 301076.

Allele frequency attached by ClinVar (database versions not stated): gnomAD exomes below 0.00001 and 0.00001; ExAC 0.00001.
gnomAD v4.1: 5 of 1,175,666 alleles (0.00043%); highest among the groups gnomAD compares: Non-Finnish European, 0.00035%; no homozygotes.

Submissions (4):

Genomic Medicine Center of Excellence, King Faisal Specialist Hospital and Research Centre
Classification: Uncertain significance for Intellectual developmental disorder, X-linked, syndromic, Pilorge type. Last evaluated: 2024-03-26. Review status: criteria provided, single submitter. Criteria: ACMG Guidelines, 2015. Collection method: clinical testing. Allele origin: germline.

Labcorp Genetics (formerly Invitae), Labcorp
Classification: Uncertain significance. Last evaluated: 2022-11-12. Review status: criteria provided, single submitter. Criteria: Invitae Variant Classification Sherloc (09022015). Collection method: clinical testing. Allele origin: germline.
Comment: This missense change has been observed in individual(s) with GLRA2-related conditions (PMID: 35294868). In summary, the available evidence is currently insufficient to determine the role of this variant in disease. Therefore, it has been classified as a Variant of Uncertain Significance. Experimental studies have shown that this missense change affects GLRA2 function (PMID: 35294868). Advanced modeling of protein sequence and biophysical properties (such as structural, functional, and spatial information, amino acid conservation, physicochemical variation, residue mobility, and thermodynamic stability) performed at Invitae indicates that this missense variant is expected to disrupt GLRA2 protein function. ClinVar contains an entry for this variant (Variation ID: 1334405). This variant is present in population databases (rs748764171, gnomAD 0.001%). This sequence change replaces arginine, which is basic and polar, with cysteine, which is neutral and slightly polar, at codon 252 of the GLRA2 protein (p.Arg252Cys).

OMIM
Classification: Pathogenic for INTELLECTUAL DEVELOPMENTAL DISORDER, X-LINKED, SYNDROMIC, PILORGE TYPE. Last evaluated: 2022-04-26. Review status: no assertion criteria provided. Collection method: literature only. Allele origin: germline. Not counted in ClinVar's aggregate classification.

Wangler Lab, Baylor College of Medicine
Classification: Uncertain significance. Last evaluated: 2022-01-10. Review status: no assertion criteria provided. Collection method: research. Allele origin: maternal, not applicable. Inheritance: X-linked recessive inheritance. Affected: yes. Observed: 1 heterozygote. Functional consequence: loss_of_function_variant. Not counted in ClinVar's aggregate classification.
Comment: Marcogliese et al., (2022) have identified 13 unrelated subjects with a variable neurodevelopmental disorder with or without autistic features. The c.754C>T results in an amino acid change of p.Arg252Cys. This variant was shown to act as Loss of Function in functional studies using Drosophila.

Literature cited by the submitters: PubMed 35294868 (cited by Labcorp Genetics (formerly Invitae), Labcorp and OMIM).

NM_002063.4(GLRA2):c.754C>T (p.Arg252Cys)

Gene: GLRA2 (glycine receptor alpha 2; plus strand). Cytogenetic location: Xp22.2.
Variant type: single nucleotide variant.
Coding change: c.754C>T on transcript NM_002063.4 (MANE Select); coding-DNA position 754, C replaced by T.
Protein change: p.Arg252Cys; replaces arginine 252 with cysteine.
Molecular consequence: missense variant.
Genome position (GRCh38, 1-based): chrX:14,609,029, C>T. VCF-style: chrX-14609029-C-T. GRCh37 (hg19) VCF-style: chrX-14627151-C-T.
Other names: c.754C>T, p.Arg252Cys (NM_001118885.2, NM_001118886.2); c.487C>T, p.Arg163Cys (NM_001171942.2); short protein forms R163C, R252C.
Identifiers: ClinVar variation 1334405 (VCV001334405.9), dbSNP rs748764171, ClinGen allele CA10352788.